The following is an entry in ClinVar:

ClinVar aggregate classification (germline): Benign/Likely benign. Review status: criteria provided, multiple submitters, no conflicts (2 of 4 stars). 2 submissions from 2 submitters: Benign (1); Likely benign (1). Last evaluated 2025-11-24.

Conditions:
KMT2B-related disorder. Also called: KMT2B-related condition; KMT2B-related disorders. Identifiers: MedGen CN381338.

Allele frequency attached by ClinVar (database versions not stated): TOPMed 0.00001; ExAC 0.00003; gnomAD 0.00003; ESP Exome Variant Server 0.00008.
gnomAD v4.1: 32 of 1,612,148 alleles (0.002%); highest among the groups gnomAD compares: African/African-American, 0.0027%; no homozygotes.

Submissions (2):

PreventionGenetics, part of Exact Sciences
Classification: Likely benign for KMT2B-related condition. Last evaluated: 2025-11-24. Review status: criteria provided, single submitter. Criteria: ACMG Guidelines, 2015. Collection method: clinical testing. Allele origin: germline.
Comment: This variant is classified as likely benign based on ACMG/AMP sequence variant interpretation guidelines (Richards et al. 2015 PMID: 25741868, with internal and published modifications).

Labcorp Genetics (formerly Invitae), Labcorp
Classification: Benign. Last evaluated: 2025-10-01. Review status: criteria provided, single submitter. Criteria: Invitae Variant Classification Sherloc (09022015). Collection method: clinical testing. Allele origin: germline.

NM_014727.3(KMT2B):c.494G>A (p.Arg165His)

Gene: KMT2B (lysine methyltransferase 2B; plus strand). Cytogenetic location: 19q13.12.
Variant type: single nucleotide variant.
Coding change: c.494G>A on transcript NM_014727.3 (MANE Select); coding-DNA position 494, G replaced by A.
Protein change: p.Arg165His; replaces arginine 165 with histidine.
Molecular consequence: missense variant.
Genome position (GRCh38, 1-based): chr19:35,719,841, G>A. VCF-style: chr19-35719841-G-A. GRCh37 (hg19) VCF-style: chr19-36210743-G-A.
Other names: c.494G>A (NM_014727.2); short protein forms R165H.
Identifiers: ClinVar variation 2156542 (VCV002156542.5), dbSNP rs375544683, ClinGen allele CA9384037.
Genomic context (GRCh38, chr19:35,719,841, plus strand): 5'-TAGGTCGAGCGCCCCGAGGTCGGGGTCGCAAGCATAAGACGACCCCCCTTCCTCCTCCTC[G>A]CCTAGCAGATGTGGCTCCTACCCCCCCAAAGACCCCTGCCCGGAAACGGGGTGAGGAAGG-3'
Protein context (NP_055542.1, residues 155-175): KHKTTPLPPP[Arg165His]LADVAPTPPK